The following is an entry in ClinVar:

NM_004525.3(LRP2):c.7958A>G (p.Asn2653Ser)

Gene: LRP2 (LDL receptor related protein 2; minus strand). Cytogenetic location: 2q31.1.
Variant type: single nucleotide variant.
Coding change: c.7958A>G on transcript NM_004525.3 (MANE Select); coding-DNA position 7958, A replaced by G.
Protein change: p.Asn2653Ser; replaces asparagine 2653 with serine.
Molecular consequence: missense variant.
Genome position (GRCh38, 1-based): chr2:169,204,029, T>C on the plus strand (A>G on the coding strand, the complement: LRP2 is on the minus strand). VCF-style: chr2-169204029-T-C. GRCh37 (hg19) VCF-style: chr2-170060539-T-C.
Other names: short protein forms N2653S.
Identifiers: ClinVar variation 1449502 (VCV001449502.8), dbSNP rs2105329220, ClinGen allele CA349167056.

ClinVar aggregate classification (germline): Uncertain significance (1 of 4 stars; one submission).

Submission:

Labcorp Genetics (formerly Invitae), Labcorp
Classification: Uncertain significance. Last evaluated: 2021-07-17. Review status: criteria provided, single submitter. Criteria: Invitae Variant Classification Sherloc (09022015). Collection method: clinical testing. Allele origin: germline.
Comment: This variant has not been reported in the literature in individuals affected with LRP2-related conditions. This sequence change replaces asparagine with serine at codon 2653 of the LRP2 protein (p.Asn2653Ser). The asparagine residue is moderately conserved and there is a small physicochemical difference between asparagine and serine. This variant is not present in population databases (ExAC no frequency). Advanced modeling of protein sequence and biophysical properties (such as structural, functional, and spatial information, amino acid conservation, physicochemical variation, residue mobility, and thermodynamic stability) performed at Invitae indicates that this missense variant is not expected to disrupt LRP2 protein function. In summary, the available evidence is currently insufficient to determine the role of this variant in disease. Therefore, it has been classified as a Variant of Uncertain Significance.